The following is an entry in ClinVar:

NM_000528.4(MAN2B1):c.1026+9G>A

Gene: MAN2B1 (mannosidase alpha class 2B member 1; minus strand). Cytogenetic location: 19p13.13.
Variant type: single nucleotide variant.
Coding change: c.1026+9G>A on transcript NM_000528.4 (MANE Select); 9 bases into the intron after coding-DNA position 1026, G replaced by A.
Molecular consequence: intron variant.
Genome position (GRCh38, 1-based): chr19:12,661,251, C>T on the plus strand (G>A on the coding strand, the complement: MAN2B1 is on the minus strand). VCF-style: chr19-12661251-C-T. GRCh37 (hg19) VCF-style: chr19-12772065-C-T.
Other names: c.1026+9G>A (NM_001173498.2).
Identifiers: ClinVar variation 712793 (VCV000712793.12), dbSNP rs762829719, ClinGen allele CA9226633.

ClinVar aggregate classification (germline): Likely benign. Review status: criteria provided, multiple submitters, no conflicts (2 of 4 stars). 3 submissions from 3 submitters: Likely benign (3). Last evaluated 2026-01-04.

Conditions:
Deficiency of alpha-mannosidase (MANSA). Also called: Mannosidosis, alpha-, types I and II; LYSOSOMAL ALPHA-D-MANNOSIDASE DEFICIENCY; Alpha-Mannosidosis. Identifiers: Orphanet 61, MedGen C0024748, MONDO:0009561, OMIM 248500.
MAN2B1-related disorder. Also called: MAN2B1-related condition.

Allele frequency attached by ClinVar (database versions not stated): gnomAD 0.00004 and 0.00005; gnomAD exomes 0.00006 and 0.00008; TOPMed 0.00008; ExAC 0.00010.

Submissions (3):

Labcorp Genetics (formerly Invitae), Labcorp
Classification: Likely benign for Deficiency of alpha-mannosidase. Last evaluated: 2026-01-04. Review status: criteria provided, single submitter. Criteria: Invitae Variant Classification Sherloc (09022015). Collection method: clinical testing. Allele origin: germline.

PreventionGenetics, part of Exact Sciences
Classification: Likely benign for MAN2B1-related condition. Last evaluated: 2025-09-25. Review status: criteria provided, single submitter. Criteria: ACMG Guidelines, 2015. Collection method: clinical testing. Allele origin: germline.
Comment: This variant is classified as likely benign based on ACMG/AMP sequence variant interpretation guidelines (Richards et al. 2015 PMID: 25741868, with internal and published modifications).

Blueprint Genetics
Classification: Likely benign. Last evaluated: 2024-06-26. Review status: criteria provided, single submitter. Criteria: ACMG Guidelines, 2015. Collection method: clinical testing. Allele origin: germline.